The following is an entry in ClinVar:

ClinVar aggregate classification (germline): Conflicting classifications of pathogenicity. Review status: criteria provided, conflicting classifications (1 of 4 stars). 4 submissions from 4 submitters: Uncertain significance (3); Likely benign (1). Last evaluated 2026-04-22.

Conditions:
Hereditary breast ovarian cancer syndrome. Also called: Hereditary breast and ovarian cancer syndrome (HBOC); Hereditary breast and ovarian cancer; BRCA1- and BRCA2-Associated Hereditary Breast and Ovarian Cancer; Breast and ovarian cancer; Hereditary breast and ovarian cancer syndrome; Hereditary breast and/or ovarian cancer syndrome. Identifiers: Orphanet 145, MedGen C0677776, MeSH D061325, MONDO:0003582. Disease mechanism: loss of function.
Breast-ovarian cancer, familial, susceptibility to, 1 (BROVCA1). Also called: OVARIAN CANCER, SUSCEPTIBILITY TO; BRCA1 Hereditary Breast and Ovarian Cancer. Identifiers: Orphanet 145, MedGen C2676676, MONDO:0011450, OMIM 604370. Disease mechanism: loss of function.
Hereditary cancer-predisposing syndrome. Also called: Hereditary neoplastic syndrome; Tumor predisposition; Hereditary Cancer Syndrome; Neoplastic Syndromes, Hereditary. Identifiers: Orphanet 140162, MedGen C0027672, MeSH D009386, MONDO:0015356.

Allele frequency attached by ClinVar (database versions not stated): gnomAD exomes below 0.00001.
gnomAD v4.1: 1 of 1,606,456 alleles (0.000062%); highest among the groups gnomAD compares: Non-Finnish European, 0.000085%; no homozygotes.

Submissions (4):

Ambry Genetics
Classification: Uncertain significance for Hereditary cancer-predisposing syndrome. Last evaluated: 2026-04-22. Review status: criteria provided, single submitter. Criteria: Ambry Variant Classification Scheme 2023. Collection method: clinical testing. Allele origin: germline.
Comment: The p.I180T variant (also known as c.539T>C), located in coding exon 6 of the BRCA1 gene, results from a T to C substitution at nucleotide position 539. The isoleucine at codon 180 is replaced by threonine, an amino acid with similar properties. This variant was detected in 1 of 1197 individuals with breast cancer who underwent genetic testing (Abdel-Razeq H et al. Front Oncol, 2022 Mar;12:673094). This amino acid position is highly conserved in available vertebrate species. In addition, this alteration is predicted to be deleterious by in silico analysis. Based on the available evidence, the clinical significance of this variant remains unclear.

Color Diagnostics, LLC DBA Color Health
Classification: Uncertain significance for Hereditary cancer-predisposing syndrome. Last evaluated: 2025-07-08. Review status: criteria provided, single submitter. Criteria: ACMG Guidelines, 2015. Collection method: clinical testing. Allele origin: germline.
Comment: This missense variant replaces isoleucine with threonine at codon 180 of the BRCA1 protein. Computational prediction is inconclusive regarding the impact of this variant on protein structure and function. To our knowledge, functional studies have not been reported for this variant. This variant has been reported in an individual affected with breast cancer and in a breast cancer case-control meta-analysis in 1/60466 cases and 0/53461 unaffected individuals (PMID: 33471991Leiden Open Variation Database DB-ID BRCA1_006562). This variant has not been identified in the general population by the Genome Aggregation Database (gnomAD). The available evidence is insufficient to determine the role of this variant in disease conclusively. Therefore, this variant is classified as a Variant of Uncertain Significance.

Molecular Pathology, Peter Maccallum Cancer Centre
Classification: Likely benign for Breast-ovarian cancer, familial, susceptibility to, 1. Last evaluated: 2024-09-10. Review status: criteria provided, single submitter. Criteria: ACMG Guidelines, 2015. Collection method: clinical testing. Allele origin: germline. Inheritance: Autosomal dominant inheritance.

Labcorp Genetics (formerly Invitae), Labcorp
Classification: Uncertain significance for Hereditary breast ovarian cancer syndrome. Last evaluated: 2024-01-03. Review status: criteria provided, single submitter. Criteria: Invitae Variant Classification Sherloc (09022015). Collection method: clinical testing. Allele origin: germline.
Comment: This sequence change replaces isoleucine, which is neutral and non-polar, with threonine, which is neutral and polar, at codon 180 of the BRCA1 protein (p.Ile180Thr). This variant is not present in population databases (gnomAD no frequency). This variant has not been reported in the literature in individuals affected with BRCA1-related conditions. ClinVar contains an entry for this variant (Variation ID: 627936). Advanced modeling of protein sequence and biophysical properties (such as structural, functional, and spatial information, amino acid conservation, physicochemical variation, residue mobility, and thermodynamic stability) performed at Invitae indicates that this missense variant is expected to disrupt BRCA1 protein function with a positive predictive value of 95%. In summary, the available evidence is currently insufficient to determine the role of this variant in disease. Therefore, it has been classified as a Variant of Uncertain Significance.

Literature cited by the submitters: PubMed 35402282 (cited by Ambry Genetics); PubMed 33471991 (cited by Color Diagnostics, LLC DBA Color Health).

NM_007294.4(BRCA1):c.539T>C (p.Ile180Thr)

Gene: BRCA1 (BRCA1 DNA repair associated; minus strand). Cytogenetic location: 17q21.31.
Variant type: single nucleotide variant.
Coding change: c.539T>C on transcript NM_007294.4 (MANE Select); coding-DNA position 539, T replaced by C.
Protein change: p.Ile180Thr; replaces isoleucine 180 with threonine.
Molecular consequence: missense variant. On other transcripts: non-coding transcript variant (1).
Genome position (GRCh38, 1-based): chr17:43,099,783, A>G on the plus strand (T>C on the coding strand, the complement: BRCA1 is on the minus strand). VCF-style: chr17-43099783-A-G. GRCh37 (hg19) VCF-style: chr17-41251800-A-G.
Other names: c.539T>C, p.Ile180Thr (NM_001408438.1, NM_001408439.1, NM_001408440.1 and 97 more transcripts); c.536T>C, p.Ile179Thr (NM_001408445.1, NM_001408446.1, NM_001408447.1 and 65 more transcripts); c.404T>C, p.Ile135Thr (NM_001408451.1); c.398T>C, p.Ile133Thr (NM_001408452.1, NM_001408453.1, NM_001408454.1 and 61 more transcripts); c.395T>C, p.Ile132Thr (NM_001408462.1, NM_001408463.1, NM_001408464.1 and 35 more transcripts); c.461T>C, p.Ile154Thr (NM_001408474.1, NM_001408476.1, NM_001407653.1 and 12 more transcripts); c.458T>C, p.Ile153Thr (NM_001408475.1, NM_001407659.1, NM_001407660.1 and 6 more transcripts); c.329T>C, p.Ile110Thr (NM_001408478.1, NM_001408479.1, NM_001408480.1 and 37 more transcripts); and 4 more; short protein forms I180T, I133T, I53T, I110T, I153T, I177T, I109T, I135T.
Identifiers: ClinVar variation 627936 (VCV000627936.17), dbSNP rs1567805965, ClinGen allele CA10601063.